The following is an entry in ClinVar:

NM_001363118.2(SLC52A2):c.107T>G (p.Val36Gly)

Gene: SLC52A2 (solute carrier family 52 member 2; plus strand). Cytogenetic location: 8q24.3.
Variant type: single nucleotide variant.
Coding change: c.107T>G on transcript NM_001363118.2 (MANE Select); coding-DNA position 107, T replaced by G.
Protein change: p.Val36Gly; replaces valine 36 with glycine.
Molecular consequence: missense variant.
Genome position (GRCh38, 1-based): chr8:144,359,400, T>G. VCF-style: chr8-144359400-T-G. GRCh37 (hg19) VCF-style: chr8-145583060-T-G.
Other names: c.107T>G, p.Val36Gly (NM_001253815.2, NM_001253816.2, NM_001363120.2 and 3 more transcripts); short protein forms V36G.
Identifiers: ClinVar variation 245818 (VCV000245818.2), dbSNP rs879253962, ClinGen allele CA10584287.
Genomic context (GRCh38, chr8:144,359,400, plus strand): 5'-TGGCTCTCTTCGGCATGGGCTCCTGGGCTGCGGTCAATGGGATCTGGGTGGAGCTACCTG[T>G]GGTGGTCAAAGAGCTTCCAGAGGGTGAGTGGGAGGGAGGTGCAGGTGTGCCCAAGACTCC-3'
Protein context (NP_001350047.1, residues 26-46): AVNGIWVELP[Val36Gly]VVKELPEGWS

ClinVar aggregate classification (germline): Likely pathogenic (1 of 4 stars; one submission).

Submission:

GeneDx
Classification: Likely pathogenic. Last evaluated: 2015-07-15. Review status: criteria provided, single submitter. Criteria: GeneDx Variant Classification (06012015). Collection method: clinical testing. Allele origin: germline. Affected: yes.
Comment: The V36G variant in the SLC52A2 gene has not been published as pathogenic, nor has it been reported as a benign polymorphism to our knowledge. The V36G variant was not observed in approximately 6500 individuals of European and African American ancestry in the NHLBI Exome Sequencing Project, indicating it is not a common variant in these populations. The V36G variant is a conservative amino acid substitution, which occurs at a position that is conserved in mammals. In silico analysis predicts this variant is probably damaging to the protein structure/function. A missense variant in a nearby residue (W31S) has been reported in the Human Gene Mutation Database in association with Brown-Vialetto-Van Laere syndrome (Stenson et al., 2014), supporting the functional importance of this region of the protein. The V36G variant is a strong candidate for a disease-causing variant, however the possibility it may be a rare benign variant cannot be excluded.